The following is an entry in ClinVar:

NM_015978.3(TNNI3K):c.2352-2A>G

Genes: FPGT-TNNI3K (FPGT-TNNI3K readthrough; plus strand), TNNI3K (TNNI3 interacting kinase; plus strand). Cytogenetic location: 1p31.1.
Variant type: single nucleotide variant.
Coding change: c.2352-2A>G on transcript NM_015978.3 (MANE Select); the canonical splice acceptor site of the intron before coding-DNA position 2352, A replaced by G.
Molecular consequence: splice acceptor variant.
Genome position (GRCh38, 1-based): chr1:74,540,232, A>G. VCF-style: chr1-74540232-A-G. GRCh37 (hg19) VCF-style: chr1-75005916-A-G.
Other names: c.2655-2A>G (NM_001112808.3).
Identifiers: ClinVar variation 2061939 (VCV002061939.4), dbSNP rs780579335, ClinGen allele CA909876.

ClinVar aggregate classification (germline): Uncertain significance (1 of 4 stars; one submission).

Allele frequency attached by ClinVar (database versions not stated): ExAC 0.00001; gnomAD 0.00003; gnomAD exomes 0.00002; TOPMed 0.00004.
gnomAD v4.1: 35 of 1,610,846 alleles (0.0022%); highest among the groups gnomAD compares: Admixed American, 0.0067%; 1 homozygote.

Submission:

Labcorp Genetics (formerly Invitae), Labcorp
Classification: Uncertain significance. Last evaluated: 2025-05-22. Review status: criteria provided, single submitter. Criteria: Invitae Variant Classification Sherloc (09022015). Collection method: clinical testing. Allele origin: germline.
Comment: This sequence change affects an acceptor splice site in intron 23 of the TNNI3K gene. It is expected to disrupt RNA splicing. Variants that disrupt the donor or acceptor splice site typically lead to a loss of protein function (PMID: 16199547), however the current clinical and genetic evidence is not sufficient to establish whether loss-of-function variants in TNNI3K cause disease. This variant is present in population databases (rs780579335, gnomAD 0.009%). This variant has not been reported in the literature in individuals affected with TNNI3K-related conditions. ClinVar contains an entry for this variant (Variation ID: 2061939). Algorithms developed to predict the effect of sequence changes on RNA splicing suggest that this variant may disrupt the consensus splice site. In summary, the available evidence is currently insufficient to determine the role of this variant in disease. Therefore, it has been classified as a Variant of Uncertain Significance.

Literature cited by the submitters: PubMed 16199547.